The following is an entry in ClinVar:

NM_001197104.2(KMT2A):c.1712C>G (p.Pro571Arg)

Gene: KMT2A (lysine methyltransferase 2A; plus strand). Cytogenetic location: 11q23.3.
Variant type: single nucleotide variant.
Coding change: c.1712C>G on transcript NM_001197104.2 (MANE Select); coding-DNA position 1712, C replaced by G.
Protein change: p.Pro571Arg; replaces proline 571 with arginine.
Molecular consequence: missense variant.
Genome position (GRCh38, 1-based): chr11:118,472,871, C>G. VCF-style: chr11-118472871-C-G. GRCh37 (hg19) VCF-style: chr11-118343586-C-G.
Other names: c.1811C>G, p.Pro604Arg (NM_001412597.1); c.1712C>G, p.Pro571Arg (NM_005933.4); short protein forms P571R, P604R.
Identifiers: ClinVar variation 3654839 (VCV003654839.2).

ClinVar aggregate classification (germline): Uncertain significance (1 of 4 stars; one submission).

Submission:

Labcorp Genetics (formerly Invitae), Labcorp
Classification: Uncertain significance. Last evaluated: 2024-10-30. Review status: criteria provided, single submitter. Criteria: Invitae Variant Classification Sherloc (09022015). Collection method: clinical testing. Allele origin: germline.
Comment: This sequence change replaces proline, which is neutral and non-polar, with arginine, which is basic and polar, at codon 571 of the KMT2A protein (p.Pro571Arg). This variant is not present in population databases (gnomAD no frequency). This variant has not been reported in the literature in individuals affected with KMT2A-related conditions. Invitae Evidence Modeling of protein sequence and biophysical properties (such as structural, functional, and spatial information, amino acid conservation, physicochemical variation, residue mobility, and thermodynamic stability) has been performed for this missense variant. However, the output from this modeling did not meet the statistical confidence thresholds required to predict the impact of this variant on KMT2A protein function. In summary, the available evidence is currently insufficient to determine the role of this variant in disease. Therefore, it has been classified as a Variant of Uncertain Significance.